The following is an entry in ClinVar:

NM_004036.5(ADCY3):c.1357C>T (p.Arg453Cys)

Gene: ADCY3 (adenylate cyclase 3; minus strand). Cytogenetic location: 2p23.3.
Variant type: single nucleotide variant.
Coding change: c.1357C>T on transcript NM_004036.5 (MANE Select); coding-DNA position 1357, C replaced by T.
Protein change: p.Arg453Cys; replaces arginine 453 with cysteine.
Molecular consequence: missense variant.
Genome position (GRCh38, 1-based): chr2:24,838,621, G>A on the plus strand (C>T on the coding strand, the complement: ADCY3 is on the minus strand). VCF-style: chr2-24838621-G-A. GRCh37 (hg19) VCF-style: chr2-25061490-G-A.
Other names: c.1357C>T (NM_001320613.1); c.1357C>T, p.Arg453Cys (NM_001320613.2, NM_001377129.1, NM_001377130.1 and 1 more transcripts); c.1423C>T, p.Arg475Cys (NM_001377128.1); c.634C>T, p.Arg212Cys (NM_001377131.1); short protein forms R212C, R475C, R453C.
Identifiers: ClinVar variation 4011993 (VCV004011993.2).

ClinVar aggregate classification (germline): Uncertain significance. Review status: criteria provided, multiple submitters, no conflicts (2 of 4 stars). 2 submissions from 2 submitters: Uncertain significance (2). Last evaluated 2026-07-02.

Conditions:
Inborn genetic diseases. Identifiers: MedGen C0950123, MeSH D030342.
ADCY3-related disorder. Also called: ADCY3-related condition.

gnomAD v4.1: 7 of 1,613,686 alleles (0.00043%); highest among the groups gnomAD compares: Admixed American, 0.0017%; no homozygotes.

Submissions (2):

PreventionGenetics, part of Exact Sciences
Classification: Uncertain significance for ADCY3-related condition. Last evaluated: 2026-07-02. Review status: criteria provided, single submitter. Criteria: ACMG Guidelines, 2015. Collection method: clinical testing. Allele origin: germline.
Comment: The ADCY3 c.1357C>T variant is predicted to result in the amino acid substitution p.Arg453Cys. To our knowledge, this variant has not been reported in the literature. This variant is reported in 0.0029% of alleles in individuals of Latino descent in gnomAD. At this time, the clinical significance of this variant is uncertain due to the absence of conclusive functional and genetic evidence.

Ambry Genetics
Classification: Uncertain significance for Inborn genetic diseases. Last evaluated: 2025-05-18. Review status: criteria provided, single submitter. Criteria: Ambry Variant Classification Scheme 2023. Collection method: clinical testing. Allele origin: germline.